The following is an entry in ClinVar:

ClinVar aggregate classification (germline): Pathogenic. Review status: criteria provided, multiple submitters, no conflicts (2 of 4 stars). 3 submissions from 3 submitters: Pathogenic (3). Last evaluated 2025-10-22.

Conditions:
PKD2-related disorder. Also called: PKD2-related condition.
Autosomal dominant polycystic kidney disease. Identifiers: Orphanet 730, MedGen C0085413, MONDO:0004691.
Polycystic kidney disease 2 (PKD2). Also called: POLYCYSTIC KIDNEY DISEASE 2 WITH OR WITHOUT POLYCYSTIC LIVER DISEASE; Polycystic Kidney Disease 2, Autosomal Dominant; POLYCYSTIC KIDNEY DISEASE, ADULT, TYPE II. Identifiers: MedGen C2751306, MONDO:0013131, OMIM 613095.

Submissions (3):

Victorian Clinical Genetics Services, Murdoch Childrens Research Institute
Classification: Pathogenic for Polycystic kidney disease 2. Last evaluated: 2025-10-22. Review status: criteria provided, single submitter. Criteria: ACMG Guidelines, 2015. Collection method: clinical testing. Allele origin: germline. Affected: yes.
Comment: This variant is classified as Pathogenic. Evidence in support of pathogenic classification: Variant is predicted to cause nonsense-mediated decay (NMD) and loss of protein (premature termination codon is located at least 54 nucleotides upstream of the final exon-exon junction); Variant is absent from gnomAD (v2, v3 and v4); This variant has limited previous evidence of pathogenicity in an unrelated individual. This variant has been classified pathogenic by a clinical laboratory in ClinVar; Other NMD-predicted variant(s) comparable to the one identified in this case have very strong previous evidence for pathogenicity (DECIPHER). Additional information: This variant is heterozygous; This gene is associated with autosomal dominant disease; No published evidence of segregation with disease has been identified for this variant; No published functional evidence has been identified for this variant; Loss of function is a known mechanism of disease in this gene and is associated with polycystic kidney disease 2 (MIM#613095); Inheritance information for this variant is not currently available in this individual.

Molecular Genetics, Royal Melbourne Hospital
Classification: Pathogenic for Autosomal dominant polycystic kidney disease. Last evaluated: 2024-12-06. Review status: criteria provided, single submitter. Criteria: ACMG Guidelines, 2015. Collection method: clinical testing. Allele origin: germline. Inheritance: Autosomal dominant inheritance. Affected: yes.
Comment: This sequence change in PKD2 is a frameshift variant predicted to create a premature stop codon, p.(Asn737Thrfs*34), in biologically relevant exon 11/15 leading to nonsense-mediated decay in a gene in which loss-of-function is an established disease mechanism (PMID: 8650545, 9402976). Loss-of-function variants are a well-established cause of disease in exon 11 (ClinVar). This variant is absent from the population database gnomAD v4.1. Based on the classification scheme RMH Modified ACMG/AMP Guidelines v1.7.0, this variant is classified as PATHOGENIC. Following criteria are met: PVS1, PM2_Supporting, PM5_Supporting, PS4_Supporting

PreventionGenetics, part of Exact Sciences
Classification: Pathogenic for PKD2-related condition. Last evaluated: 2023-08-03. Review status: criteria provided, single submitter. Criteria: ACMG Guidelines, 2015. Collection method: clinical testing. Allele origin: germline.
Comment: The PKD2 c.2210delA variant is predicted to result in a frameshift and premature protein termination (p.Asn737Thrfs*34). To our knowledge, this variant has not been reported in the literature or in a large population database, indicating this variant is rare. Frameshift variants in PKD2 are expected to be pathogenic. This variant is interpreted as pathogenic.

Literature cited by the submitters: PubMed 8650545 (cited by Molecular Genetics, Royal Melbourne Hospital); PubMed 9402976 (cited by Molecular Genetics, Royal Melbourne Hospital).

NM_000297.4(PKD2):c.2210del (p.Asn737fs)

Gene: PKD2 (polycystin 2, transient receptor potential cation channel; plus strand). Cytogenetic location: 4q22.1.
Variant type: Deletion.
Coding change: c.2210del on transcript NM_000297.4 (MANE Select); coding-DNA position 2210, one base deleted (A; older notation c.2210delA).
Protein change: p.Asn737fs; shifts the reading frame from asparagine 737.
Molecular consequence: frameshift variant. On other transcripts: non-coding transcript variant (1).
Genome position (GRCh38, 1-based): chr4:88,065,465, A deleted; the last of 3 consecutive A bases (chr4:88,065,463-88,065,465); deleting any one gives the same sequence. VCF-style (leftmost placement, unchanged base first): chr4-88065462-TA-T. GRCh37 (hg19) VCF-style: chr4-88986614-TA-T.
Other names: c.2210delA (NM_000297.4); short protein forms N737fs.
Identifiers: ClinVar variation 2631256 (VCV002631256.4), dbSNP rs2475979288, ClinGen allele CA2695199391.